The following is an entry in ClinVar:

ClinVar aggregate classification (germline): Uncertain significance. Review status: criteria provided, multiple submitters, no conflicts (2 of 4 stars). 8 submissions from 8 submitters: Uncertain significance (7). 1 of the submissions does not count toward it. Last evaluated 2026-09-21.

Conditions:
Cardiovascular phenotype. Identifiers: MedGen CN230736.
Fabry disease. Also called: Ceramide trihexosidosis; Angiokeratoma corporis diffusum; ALPHA-GALACTOSIDASE A DEFICIENCY; ANDERSON-FABRY DISEASE; CERAMIDE TRIHEXOSIDASE DEFICIENCY; GLA DEFICIENCY. Identifiers: Orphanet 324, MedGen C0002986, MONDO:0010526, OMIM 301500, HP:0001071. Disease mechanism: Fabry disease is due to inactivating mutations in the X-linked GLA gene resulting in deficiency of the enzyme Alpha Galactosidase-A., loss of function.

Allele frequency attached by ClinVar (database versions not stated): TOPMed 0.00002.
gnomAD v4.1: 10 of 1,208,878 alleles (0.00083%); highest among the groups gnomAD compares: Middle Eastern, 0.023%; no homozygotes.

Submissions (8):

Molecular Diagnostic Laboratory for Inherited Cardiovascular Disease, Montreal Heart Institute
Classification: Uncertain significance for Cardiovascular phenotype. Last evaluated: 2026-09-21. Review status: criteria provided, single submitter. Criteria: ACMG Guidelines, 2015. Collection method: clinical testing. Allele origin: germline. Affected: yes.
Comment: PM2, PP2, BS3_supp

Color Diagnostics, LLC DBA Color Health
Classification: Uncertain significance for Fabry disease. Last evaluated: 2025-07-01. Review status: criteria provided, single submitter. Criteria: ACMG Guidelines, 2015. Collection method: clinical testing. Allele origin: germline.
Comment: This missense variant replaces aspartic acid with glutamic acid at codon 175 of the GLA protein. Computational prediction suggests that this variant may not impact protein structure and function Functional studies have shown that this variant results in a partially reduced enzyme activity (PMID: 31036492, 31367522, 32023956, 32531501). This variant has been reported in an individual affected with Fabry disease (PMID: 23935525) and in individuals affected with hypertrophic cardiomyopathy (PMID: 27532257, 32531501). This variant has been identified in 1/183473 chromosomes in the general population by the Genome Aggregation Database (gnomAD). The available evidence is insufficient to determine the role of this variant in disease conclusively. Therefore, this variant is classified as a Variant of Uncertain Significance.

CeGaT Center for Human Genetics Tuebingen
Classification: Uncertain significance. Last evaluated: 2024-05-01. Review status: criteria provided, single submitter. Criteria: CeGaT Center For Human Genetics Tuebingen Variant Classification Criteria Version 2. Collection method: clinical testing. Allele origin: germline. Affected: yes. Observed: 1 variant allele.
Comment: GLA: PM2, PS3:Supporting

Labcorp Genetics (formerly Invitae), Labcorp
Classification: Uncertain significance for Fabry disease. Last evaluated: 2024-04-25. Review status: criteria provided, single submitter. Criteria: Invitae Variant Classification Sherloc (09022015). Collection method: clinical testing. Allele origin: germline.
Comment: This sequence change replaces aspartic acid, which is acidic and polar, with glutamic acid, which is acidic and polar, at codon 175 of the GLA protein (p.Asp175Glu). This variant is present in population databases (no rsID available, gnomAD 0.004%). This missense change has been observed in individuals with Fabry disease or hypertrophic cardiomyopathy (PMID: 23935525, 27532257; Invitae). ClinVar contains an entry for this variant (Variation ID: 835100). Advanced modeling of protein sequence and biophysical properties (such as structural, functional, and spatial information, amino acid conservation, physicochemical variation, residue mobility, and thermodynamic stability) performed at Invitae indicates that this missense variant is not expected to disrupt GLA protein function with a negative predictive value of 80%. In summary, the available evidence is currently insufficient to determine the role of this variant in disease. Therefore, it has been classified as a Variant of Uncertain Significance.

Ambry Genetics
Classification: Uncertain significance for Cardiovascular phenotype. Last evaluated: 2023-09-05. Review status: criteria provided, single submitter. Criteria: Ambry Variant Classification Scheme 2023. Collection method: clinical testing. Allele origin: germline.
Comment: The p.D175E variant (also known as c.525C>A), located in coding exon 3 of the GLA gene, results from a C to A substitution at nucleotide position 525. The aspartic acid at codon 175 is replaced by glutamic acid, an amino acid with highly similar properties. This alteration has been reported in hypertrophic cardiomyopathy (HCM) cohorts; however, clinical details were limited (Patel V et al. Heart, 2015 Jun;101:961-6; Walsh R et al. Genet Med, 2017 Feb;19:192-203; Azevedo O et al. Am Heart J, 2020 Aug;226:114-126). In vitro assays showed this alteration has >50% enzyme activity compared to wild-type (Lukas J et al. PLoS Genet, 2013 Aug;9:e1003632; Oommen S et al. Mol Genet Metab, 2019 May;127:74-85). Based on data from gnomAD, the A allele has an overall frequency of 0.0005% (1/183473) total alleles studied, with 0 hemizygote(s) observed. The highest observed frequency was 0.0036% (1/27429) of Latino alleles. This amino acid position is well conserved in available vertebrate species. In addition, this alteration is predicted to be tolerated by in silico analysis. Since supporting evidence is limited at this time, the clinical significance of this alteration remains unclear.

Fulgent Genetics
Classification: Uncertain significance for Fabry disease. Last evaluated: 2021-12-03. Review status: criteria provided, single submitter. Criteria: ACMG Guidelines, 2015. Collection method: clinical testing. Allele origin: unknown.

Genome-Nilou Lab
Classification: Uncertain significance for Fabry disease. Last evaluated: 2021-07-15. Review status: criteria provided, single submitter. Criteria: ACMG Guidelines, 2015. Collection method: clinical testing. Allele origin: germline. Affected: no.

Natera, Inc.
Classification: Uncertain significance for Fabry disease. Last evaluated: 2020-09-17. Review status: no assertion criteria provided. Collection method: clinical testing. Allele origin: germline. Not counted in ClinVar's aggregate classification.

Literature cited by the submitters: PubMed 23935525 (cited by 3 submitters); PubMed 27532257 (cited by 3 submitters); PubMed 31036492 (cited by Color Diagnostics, LLC DBA Color Health and Ambry Genetics); PubMed 31367522 (cited by Color Diagnostics, LLC DBA Color Health); PubMed 32023956 (cited by Color Diagnostics, LLC DBA Color Health); PubMed 32531501 (cited by Color Diagnostics, LLC DBA Color Health and Ambry Genetics); PubMed 25655062 (cited by Ambry Genetics).

NM_000169.3(GLA):c.525C>A (p.Asp175Glu)

Genes: GLA (galactosidase alpha; minus strand), RPL36A-HNRNPH2 (RPL36A-HNRNPH2 readthrough; plus strand). Cytogenetic location: Xq22.1.
Variant type: single nucleotide variant.
Coding change: c.525C>A on transcript NM_000169.3 (MANE Select); coding-DNA position 525, C replaced by A.
Protein change: p.Asp175Glu; replaces aspartic acid 175 with glutamic acid.
Molecular consequence: missense variant. On other transcripts: non-coding transcript variant (3), intron variant (2).
Genome position (GRCh38, 1-based): chrX:101,401,654, G>T on the plus strand (C>A on the coding strand, the complement: GLA is on the minus strand). VCF-style: chrX-101401654-G-T. GRCh37 (hg19) VCF-style: chrX-100656642-G-T.
Other names: c.648C>A, p.Asp216Glu (NM_001406747.1, NM_001406749.1); c.525C>A, p.Asp175Glu (NM_001406748.1); c.300+6197G>T (NM_001199973.2); c.177+9832G>T (NM_001199974.2); short protein forms D175E, D216E.
Identifiers: ClinVar variation 835100 (VCV000835100.37), dbSNP rs782722844, ClinGen allele CA413928717.